The following is an entry in ClinVar:

ClinVar aggregate classification (germline): Benign. Review status: criteria provided, single submitter (1 of 4 stars). 2 submissions from 2 submitters: Benign (1). 1 of the submissions does not count toward it. Last evaluated 2026-01-14.

Conditions:
ARHGEF10-related disorder. Also called: ARHGEF10-related condition.

Submissions (3):

Labcorp Genetics (formerly Invitae), Labcorp
Classification: Benign. Last evaluated: 2026-01-14. Review status: criteria provided, single submitter. Criteria: Invitae Variant Classification Sherloc (09022015). Collection method: clinical testing. Allele origin: germline.

PreventionGenetics, part of Exact Sciences
Classification: Benign for ARHGEF10-related condition. Last evaluated: 2019-07-24. Review status: no assertion criteria provided. Collection method: clinical testing. Allele origin: germline. Not counted in ClinVar's aggregate classification.
Comment: This variant is classified as benign based on ACMG/AMP sequence variant interpretation guidelines (Richards et al. 2015 PMID: 25741868, with internal and published modifications).

Dr. Peter K. Rogan Lab, Western University
No classification provided (evidence only). Condition: Gastric cancer. Review status: no classification provided. Collection method: in vitro. Allele origin: not applicable. Functional consequence: retained intron. Not counted in ClinVar's aggregate classification.

NM_014629.4(ARHGEF10):c.38-8_38-4del

Gene: ARHGEF10 (Rho guanine nucleotide exchange factor 10; plus strand). Cytogenetic location: 8p23.3.
Variant type: Deletion.
Coding change: c.38-8_38-4del on transcript NM_014629.4 (MANE Select); 8 bases into the intron before coding-DNA position 38 through 4 bases into the intron before coding-DNA position 38, 5 bases deleted (CTTTT; older notation c.38-8_38-4delCTTTT).
Molecular consequence: intron variant.
Genome position (GRCh38, 1-based): chr8:1,857,952-1,857,956, CTTTT deleted; deleting any 5 consecutive bases within chr8:1,857,948-1,857,956 gives the same sequence; the c. name uses the placement nearest the transcript's 3' end. VCF-style (leftmost placement, unchanged base first): chr8-1857947-TTTTTC-T. GRCh37 (hg19) VCF-style: chr8-1806113-TTTTTC-T.
Other names: NC_000008.10:g.1806118_1806122del; c.38-8_38-4del (NM_001438092.1, NM_001438091.1, NM_001308152.2 and 3 more transcripts).
Identifiers: ClinVar variation 708928 (VCV000708928.11), dbSNP rs200470716, ClinGen allele CA4599554.
Genomic context (GRCh38, chr8:1,857,947, plus strand): 5'-TATCTATCTATCTATCTATCTATCTATCTATCTATCTATCTCTCCTTGATGTGGTTTTGG[TTTTTC>T]TTTTTAGAAAATGAAATGAAATATGATACCAATAATAATGAAGAGGAAGAGGGAGAACAG-3'